The following is an entry in ClinVar:

NM_007194.4(CHEK2):c.527G>A (p.Gly176Glu)

Gene: CHEK2 (checkpoint kinase 2; minus strand). Cytogenetic location: 22q12.1.
Variant type: single nucleotide variant.
Coding change: c.527G>A on transcript NM_007194.4 (MANE Select); coding-DNA position 527, G replaced by A.
Protein change: p.Gly176Glu; replaces glycine 176 with glutamic acid.
Molecular consequence: missense variant. On other transcripts: 5 prime UTR variant (2), intron variant (1).
Genome position (GRCh38, 1-based): chr22:28,725,042, C>T on the plus strand (G>A on the coding strand, the complement: CHEK2 is on the minus strand). VCF-style: chr22-28725042-C-T. GRCh37 (hg19) VCF-style: chr22-29121030-C-T.
Other names: c.656G>A, p.Gly219Glu (NM_001005735.3, NM_001438294.1); c.-251G>A (NM_001257387.3); c.-137G>A (NM_001437942.1); c.620G>A, p.Gly207Glu (NM_001438293.1, NM_001438295.1); c.527G>A, p.Gly176Glu (NM_145862.3); c.445-119G>A (NM_001349956.3); short protein forms G176E, G219E, G207E.
Identifiers: ClinVar variation 460839 (VCV000460839.15), dbSNP rs1555926854, ClinGen allele CA411107310.

ClinVar aggregate classification (germline): Uncertain significance. Review status: criteria provided, multiple submitters, no conflicts (2 of 4 stars). 2 submissions from 2 submitters: Uncertain significance (2). Last evaluated 2025-12-20.

Conditions:
Hereditary cancer-predisposing syndrome. Also called: Neoplastic Syndromes, Hereditary; Hereditary Cancer Syndrome; Hereditary neoplastic syndrome; Tumor predisposition. Identifiers: Orphanet 140162, MedGen C0027672, MeSH D009386, MONDO:0015356.
Familial cancer of breast. Also called: BREAST CANCER, FAMILIAL; Hereditary breast cancer; hereditary breast carcinoma. Identifiers: Orphanet 227535, MedGen C0346153, MONDO:0016419, OMIM 114480. Disease mechanism: loss of function.

Allele frequency attached by ClinVar (database versions not stated): gnomAD exomes below 0.00001.
gnomAD v4.1: 2 of 1,614,026 alleles (0.00012%); highest among the groups gnomAD compares: South Asian, 0.0022%; no homozygotes.

Submissions (2):

Labcorp Genetics (formerly Invitae), Labcorp
Classification: Uncertain significance for Familial cancer of breast. Last evaluated: 2025-12-20. Review status: criteria provided, single submitter. Criteria: Invitae Variant Classification Sherloc (09022015). Collection method: clinical testing. Allele origin: germline.
Comment: This sequence change replaces glycine, which is neutral and non-polar, with glutamic acid, which is acidic and polar, at codon 176 of the CHEK2 protein (p.Gly176Glu). This variant is not present in population databases (gnomAD no frequency). This variant has not been reported in the literature in individuals affected with CHEK2-related conditions. ClinVar contains an entry for this variant (Variation ID: 460839). An algorithm developed to predict the effect of missense changes on protein structure and function (PolyPhen-2) suggests that this variant is likely to be disruptive. In summary, the available evidence is currently insufficient to determine the role of this variant in disease. Therefore, it has been classified as a Variant of Uncertain Significance.

Ambry Genetics
Classification: Uncertain significance for Hereditary cancer-predisposing syndrome. Last evaluated: 2025-05-21. Review status: criteria provided, single submitter. Criteria: Ambry Variant Classification Scheme 2023. Collection method: clinical testing. Allele origin: germline.
Comment: The p.G176E variant (also known as c.527G>A), located in coding exon 3 of the CHEK2 gene, results from a G to A substitution at nucleotide position 527. The glycine at codon 176 is replaced by glutamic acid, an amino acid with similar properties. This amino acid position is highly conserved in available vertebrate species. In addition, this alteration is predicted to be deleterious by in silico analysis. Since supporting evidence is limited at this time, the clinical significance of this alteration remains unclear.